The following is an entry in ClinVar:

NM_025074.7(FRAS1):c.8396C>A (p.Ser2799Ter)

Gene: FRAS1 (Fraser extracellular matrix complex subunit 1; plus strand). Cytogenetic location: 4q21.21.
Variant type: single nucleotide variant.
Coding change: c.8396C>A on transcript NM_025074.7 (MANE Select); coding-DNA position 8396, C replaced by A.
Protein change: p.Ser2799Ter; replaces serine 2799 with a stop codon.
Molecular consequence: nonsense.
Genome position (GRCh38, 1-based): chr4:78,479,671, C>A. VCF-style: chr4-78479671-C-A. GRCh37 (hg19) VCF-style: chr4-79400825-C-A.
Other names: short protein forms S2799*.
Identifiers: ClinVar variation 3657819 (VCV003657819.2).
Genomic context (GRCh38, chr4:78,479,671, plus strand): 5'-ATGCCCGCATTGGAAGGGTGGCGACAGCCAAGGTGCTCATTAGTGGTCCCAACGATGCCT[C>A]GACTGTGTCCCTGGGCAACACGGCTTTCACTGTCAGTGAGGACGCAGGTAATGGAGAGTG-3'

ClinVar aggregate classification (germline): Pathogenic (1 of 4 stars; one submission).

gnomAD v4.1: 3 of 1,609,268 alleles (0.00019%); highest among the groups gnomAD compares: Non-Finnish European, 0.00025%; no homozygotes.

Submission:

Labcorp Genetics (formerly Invitae), Labcorp
Classification: Pathogenic. Last evaluated: 2024-06-25. Review status: criteria provided, single submitter. Criteria: Invitae Variant Classification Sherloc (09022015). Collection method: clinical testing. Allele origin: germline.
Comment: This sequence change creates a premature translational stop signal (p.Ser2799*) in the FRAS1 gene. It is expected to result in an absent or disrupted protein product. Loss-of-function variants in FRAS1 are known to be pathogenic (PMID: 12766769, 18671281). This variant is not present in population databases (gnomAD no frequency). This variant has not been reported in the literature in individuals affected with FRAS1-related conditions. For these reasons, this variant has been classified as Pathogenic.

Literature cited by the submitters: PubMed 12766769; PubMed 18671281.